The following is an entry in ClinVar:

ClinVar aggregate classification (germline): Uncertain significance. Review status: criteria provided, multiple submitters, no conflicts (2 of 4 stars). 4 submissions from 4 submitters: Uncertain significance (2). 2 of the submissions do not count toward it. Last evaluated 2025-06-10.

Conditions:
RYR1-related disorder. Also called: RYR1-related disorders; RYR1-related condition. Identifiers: MedGen CN239331.
Malignant hyperthermia, susceptibility to, 1 (MHS1). Also called: RYR1-Related Malignant Hyperthermia Susceptibility; Anesthesia related hyperthermia; Malignant hyperpyrexia; Fulminating hyperpyrexia; Pharmacogenic myopathy; Malignant hyperthermia suceptibility 1. Identifiers: Orphanet 423, MedGen C2930980, MONDO:0007783, OMIM 145600.
Congenital multicore myopathy with external ophthalmoplegia (CMYO1B). Also called: Minicore myopathy with external ophthalmoplegia; MULTIMINICORE DISEASE WITH EXTERNAL OPHTHALMOPLEGIA; MULTICORE MYOPATHY; Congenital myopathy 1B, autosomal recessive; Minicore myopathy. Identifiers: Orphanet 598, Orphanet 98905, MedGen C1850674, MONDO:0009712, OMIM 255320, HP:0003789.

Allele frequency attached by ClinVar (database versions not stated): ExAC 0.00001; TOPMed 0.00001; gnomAD 0.00002; ESP Exome Variant Server 0.00008.
gnomAD v4.1: 3 of 1,613,452 alleles (0.00019%); highest among the groups gnomAD compares: African/African-American, 0.004%; no homozygotes.

Submissions (4):

Color Diagnostics, LLC DBA Color Health
Classification: Uncertain significance for Malignant hyperthermia, susceptibility to, 1. Last evaluated: 2025-06-10. Review status: criteria provided, single submitter. Criteria: ACMG Guidelines, 2015. Collection method: clinical testing. Allele origin: germline.
Comment: This missense variant replaces proline with serine at codon 1779 of the RYR1 protein. Computational prediction suggests that this variant may not impact protein structure and function. To our knowledge, functional studies have not been reported for this variant. This variant has not been reported in individuals affected with RYR1-related disorders in the literature. This variant has been identified in 1/244926 chromosomes in the general population by the Genome Aggregation Database (gnomAD). The available evidence is insufficient to determine the role of this variant in disease conclusively. Therefore, this variant is classified as a Variant of Uncertain Significance.

Labcorp Genetics (formerly Invitae), Labcorp
Classification: Uncertain significance for RYR1-related disorder. Last evaluated: 2022-07-30. Review status: criteria provided, single submitter. Criteria: Invitae Variant Classification Sherloc (09022015). Collection method: clinical testing. Allele origin: germline.
Comment: This sequence change replaces proline, which is neutral and non-polar, with serine, which is neutral and polar, at codon 1779 of the RYR1 protein (p.Pro1779Ser). In summary, the available evidence is currently insufficient to determine the role of this variant in disease. Therefore, it has been classified as a Variant of Uncertain Significance. Advanced modeling of protein sequence and biophysical properties (such as structural, functional, and spatial information, amino acid conservation, physicochemical variation, residue mobility, and thermodynamic stability) performed at Invitae indicates that this missense variant is not expected to disrupt RYR1 protein function. This variant has not been reported in the literature in individuals affected with RYR1-related conditions. The frequency data for this variant in the population databases is considered unreliable, as metrics indicate poor data quality at this position in the gnomAD database.

PreventionGenetics, part of Exact Sciences
Classification: Uncertain significance for RYR1-related condition. Last evaluated: 2023-12-14. Review status: no assertion criteria provided. Collection method: clinical testing. Allele origin: germline. Not counted in ClinVar's aggregate classification.
Comment: The RYR1 c.5335C>T variant is predicted to result in the amino acid substitution p.Pro1779Ser. To our knowledge, this variant has not been reported in the literature. This variant is reported in 0.0041% of alleles in individuals of African descent in gnomAD. At this time, the clinical significance of this variant is uncertain due to the absence of conclusive functional and genetic evidence.

Institute of Human Genetics, University of Wuerzburg
Classification: Uncertain significance for Congenital multicore myopathy with external ophthalmoplegia. Review status: no assertion criteria provided. Collection method: clinical testing. Allele origin: unknown. Affected: yes. Observed: 1 variant allele. Not counted in ClinVar's aggregate classification.

NM_000540.3(RYR1):c.5335C>T (p.Pro1779Ser)

Gene: RYR1 (ryanodine receptor 1; plus strand). Cytogenetic location: 19q13.2.
Variant type: single nucleotide variant.
Coding change: c.5335C>T on transcript NM_000540.3 (MANE Select); coding-DNA position 5335, C replaced by T.
Protein change: p.Pro1779Ser; replaces proline 1779 with serine.
Molecular consequence: missense variant.
Genome position (GRCh38, 1-based): chr19:38,485,990, C>T. VCF-style: chr19-38485990-C-T. GRCh37 (hg19) VCF-style: chr19-38976630-C-T.
Other names: c.5335C>T, p.Pro1779Ser (NM_001042723.2); short protein forms P1779S.
Identifiers: ClinVar variation 1980760 (VCV001980760.7), dbSNP rs377041724, ClinGen allele CA066902.
Genomic context (GRCh38, chr19:38,485,990, plus strand): 5'-CGGCATGGCCTGCCGGGAGTTGGAGTCACCACTTCGCTGAGGCCCCCGCATCATTTCTCG[C>T]CCCCCTGTTTCGTGGCCGCTCTGCCAGCTGCTGGGGCAGCAGAGGCCCCGGCCCGCCTCA-3'
Protein context (NP_000531.2, residues 1769-1789): TSLRPPHHFS[Pro1779Ser]PCFVAALPAA